The following is an entry in ClinVar:

NM_002528.7(NTHL1):c.115+5C>A

Gene: NTHL1 (nth like DNA glycosylase 1; minus strand). Cytogenetic location: 16p13.3.
Variant type: single nucleotide variant.
Coding change: c.115+5C>A on transcript NM_002528.7 (MANE Select); 5 bases into the intron after coding-DNA position 115, C replaced by A.
Molecular consequence: intron variant.
Genome position (GRCh38, 1-based): chr16:2,047,704, G>T on the plus strand (C>A on the coding strand, the complement: NTHL1 is on the minus strand). VCF-style: chr16-2047704-G-T. GRCh37 (hg19) VCF-style: chr16-2097705-G-T.
Other names: c.-64+5C>A (NM_001318194.2); c.115+5C>A (NM_001318193.2).
Identifiers: ClinVar variation 2699817 (VCV002699817.3), dbSNP rs2084512563, ClinGen allele CA2575876396.

ClinVar aggregate classification (germline): Uncertain significance (1 of 4 stars; one submission).

Submission:

Labcorp Genetics (formerly Invitae), Labcorp
Classification: Uncertain significance. Last evaluated: 2023-11-30. Review status: criteria provided, single submitter. Criteria: Invitae Variant Classification Sherloc (09022015). Collection method: clinical testing. Allele origin: germline.
Comment: This sequence change falls in intron 1 of the NTHL1 gene. It does not directly change the encoded amino acid sequence of the NTHL1 protein. It affects a nucleotide within the consensus splice site. This variant is not present in population databases (gnomAD no frequency). This variant has not been reported in the literature in individuals affected with NTHL1-related conditions. Variants that disrupt the consensus splice site are a relatively common cause of aberrant splicing (PMID: 17576681, 9536098). Algorithms developed to predict the effect of sequence changes on RNA splicing suggest that this variant is not likely to affect RNA splicing. In summary, the available evidence is currently insufficient to determine the role of this variant in disease. Therefore, it has been classified as a Variant of Uncertain Significance.

Literature cited by the submitters: PubMed 17576681; PubMed 9536098.